The following is an entry in ClinVar:

ClinVar aggregate classification (germline): Likely benign. Review status: criteria provided, multiple submitters, no conflicts (2 of 4 stars). 2 submissions from 2 submitters: Likely benign (2). Last evaluated 2025-12-08.

Conditions:
Familial cancer of breast. Also called: hereditary breast carcinoma; Hereditary breast cancer; BREAST CANCER, FAMILIAL. Identifiers: Orphanet 227535, MedGen C0346153, MONDO:0016419, OMIM 114480. Disease mechanism: loss of function.
Ataxia-telangiectasia syndrome (AT). Also called: ATAXIA-TELANGIECTASIA, FRESNO VARIANT; Ataxia-telangiectasia, complementation group D; Cerebello-oculocutaneous telangiectasia; Immunodeficiency with ataxia telangiectasia; Ataxia-telangiectasia; Ataxia telangiectasia (A-T). Identifiers: Orphanet 100, MedGen C0004135, MONDO:0008840, OMIM 208900.

gnomAD v4.1: 1 of 1,613,932 alleles (0.000062%); highest among the groups gnomAD compares: Non-Finnish European, 0.000085%; no homozygotes.

Submissions (2):

Labcorp Genetics (formerly Invitae), Labcorp
Classification: Likely benign for Ataxia-telangiectasia syndrome. Last evaluated: 2025-12-08. Review status: criteria provided, single submitter. Criteria: Invitae Variant Classification Sherloc (09022015). Collection method: clinical testing. Allele origin: germline.

Myriad Genetics, Inc.
Classification: Likely benign for Familial cancer of breast. Last evaluated: 2024-05-13. Review status: criteria provided, single submitter. Criteria: Myriad Autosomal Dominant, Autosomal Recessive and X-Linked Classification Criteria (2023). Collection method: clinical testing. Allele origin: unknown.
Comment: This variant is considered likely benign. This variant is intronic and is not expected to impact mRNA splicing.

NM_000051.4(ATM):c.3077+8C>A

Gene: ATM (ATM serine/threonine kinase; plus strand). Cytogenetic location: 11q22.3.
Variant type: single nucleotide variant.
Coding change: c.3077+8C>A on transcript NM_000051.4 (MANE Select); 8 bases into the intron after coding-DNA position 3077, C replaced by A.
Molecular consequence: intron variant.
Genome position (GRCh38, 1-based): chr11:108,271,414, C>A. VCF-style: chr11-108271414-C-A. GRCh37 (hg19) VCF-style: chr11-108142141-C-A.
Other names: c.3077+8C>A (NM_001351834.2).
Identifiers: ClinVar variation 657758 (VCV000657758.11), dbSNP rs752601608, ClinGen allele CA228409947.